The following is an entry in ClinVar:

NM_173648.4(CCDC141):c.2671C>T (p.Arg891Trp)

Gene: CCDC141 (coiled-coil domain containing 141; minus strand). Cytogenetic location: 2q31.2.
Variant type: single nucleotide variant.
Coding change: c.2671C>T on transcript NM_173648.4 (MANE Select); coding-DNA position 2671, C replaced by T.
Protein change: p.Arg891Trp; replaces arginine 891 with tryptophan.
Molecular consequence: missense variant.
Genome position (GRCh38, 1-based): chr2:178,865,820, G>A on the plus strand (C>T on the coding strand, the complement: CCDC141 is on the minus strand). VCF-style: chr2-178865820-G-A. GRCh37 (hg19) VCF-style: chr2-179730547-G-A.
Other names: short protein forms R891W.
Identifiers: ClinVar variation 2633964 (VCV002633964.3), dbSNP rs372879210, ClinGen allele CA2006942.
Genomic context (GRCh38, chr2:178,865,820, plus strand): 5'-CACCCACCTCATTTATCTCGTCTCTCATGGCGCAGTACTCCACACTACGGGACAGGGTCC[G>A]TCCATACTCCTCAGCTTTGGCACGCCACTTCATGCTGTCCTCCTCAAGGAGCTCCAGCTG-3'
Protein context (NP_775919.3, residues 881-901): KWRAKAEEYG[Arg891Trp]TLSRSVEYCA

ClinVar aggregate classification (germline): Uncertain significance. Review status: criteria provided, multiple submitters, no conflicts (2 of 4 stars). 3 submissions from 3 submitters: Uncertain significance (3). Last evaluated 2025-12-25.

Conditions:
CCDC141-related disorder. Also called: CCDC141-related condition.

Allele frequency attached by ClinVar (database versions not stated): TOPMed 0.00008; gnomAD exomes 0.00010; ExAC 0.00011; gnomAD 0.00011; ESP Exome Variant Server 0.00015.
gnomAD v4.1: 166 of 1,606,574 alleles (0.01%); highest among the groups gnomAD compares: East Asian, 0.02%; no homozygotes.

Submissions (3):

Labcorp Genetics (formerly Invitae), Labcorp
Classification: Uncertain significance. Last evaluated: 2025-12-25. Review status: criteria provided, single submitter. Criteria: Invitae Variant Classification Sherloc (09022015). Collection method: clinical testing. Allele origin: germline.
Comment: This sequence change replaces arginine, which is basic and polar, with tryptophan, which is neutral and slightly polar, at codon 891 of the CCDC141 protein (p.Arg891Trp). This variant is present in population databases (rs372879210, gnomAD 0.03%). This variant has not been reported in the literature in individuals affected with CCDC141-related conditions. ClinVar contains an entry for this variant (Variation ID: 2633964). An algorithm developed to predict the effect of missense changes on protein structure and function (PolyPhen-2) suggests that this variant is likely to be disruptive. In summary, the available evidence is currently insufficient to determine the role of this variant in disease. Therefore, it has been classified as a Variant of Uncertain Significance.

Ambry Genetics
Classification: Uncertain significance. Last evaluated: 2024-09-09. Review status: criteria provided, single submitter. Criteria: Ambry Variant Classification Scheme 2023. Collection method: clinical testing. Allele origin: germline.

PreventionGenetics, part of Exact Sciences
Classification: Uncertain significance for CCDC141-related condition. Last evaluated: 2023-07-05. Review status: criteria provided, single submitter. Criteria: ACMG Guidelines, 2015. Collection method: clinical testing. Allele origin: germline.
Comment: The CCDC141 c.2671C>T variant is predicted to result in the amino acid substitution p.Arg891Trp. To our knowledge, this variant has not been reported in the literature. This variant is reported in 0.028% of alleles in individuals of European (Finnish) descent in gnomAD. At this time, the clinical significance of this variant is uncertain due to the absence of conclusive functional and genetic evidence.